The following is an entry in ClinVar:

ClinVar aggregate classification (germline): Uncertain significance (1 of 4 stars; one submission).

Conditions:
Bethlem myopathy 1A. Also called: Bethlem Muscular Dystrophy; MYOPATHY, BENIGN CONGENITAL, WITH CONTRACTURES; Bethlem myopathy 1. Identifiers: Orphanet 610, MedGen CN029274, MONDO:0024530, OMIM 158810.

Submission:

Labcorp Genetics (formerly Invitae), Labcorp
Classification: Uncertain significance for Bethlem myopathy 1A. Last evaluated: 2022-06-20. Review status: criteria provided, single submitter. Criteria: Invitae Variant Classification Sherloc (09022015). Collection method: clinical testing. Allele origin: germline.
Comment: In summary, the available evidence is currently insufficient to determine the role of this variant in disease. Therefore, it has been classified as a Variant of Uncertain Significance. Algorithms developed to predict the effect of missense changes on protein structure and function are either unavailable or do not agree on the potential impact of this missense change (SIFT: "Deleterious"; PolyPhen-2: "Probably Damaging"; Align-GVGD: "Class C0"). ClinVar contains an entry for this variant (Variation ID: 1020656). This variant has not been reported in the literature in individuals affected with COL6A2-related conditions. This variant is not present in population databases (gnomAD no frequency). This sequence change replaces phenylalanine, which is neutral and non-polar, with valine, which is neutral and non-polar, at codon 849 of the COL6A2 protein (p.Phe849Val).

NM_001849.4(COL6A2):c.2545T>G (p.Phe849Val)

Gene: COL6A2 (collagen type VI alpha 2 chain; plus strand). Cytogenetic location: 21q22.3.
Variant type: single nucleotide variant.
Coding change: c.2545T>G on transcript NM_001849.4 (MANE Select); coding-DNA position 2545, T replaced by G.
Protein change: p.Phe849Val; replaces phenylalanine 849 with valine.
Molecular consequence: missense variant.
Genome position (GRCh38, 1-based): chr21:46,132,037, T>G. VCF-style: chr21-46132037-T-G. GRCh37 (hg19) VCF-style: chr21-47551951-T-G.
Other names: short protein forms F849V.
Identifiers: ClinVar variation 1020656 (VCV001020656.12), dbSNP rs2078767000, ClinGen allele CA410548308.